The following is an entry in ClinVar:

ClinVar aggregate classification (germline): Pathogenic (1 of 4 stars; one submission).

Conditions:
Familial cancer of breast. Also called: Hereditary breast cancer; BREAST CANCER, FAMILIAL; hereditary breast carcinoma. Identifiers: Orphanet 227535, MedGen C0346153, MONDO:0016419, OMIM 114480. Disease mechanism: loss of function.

Submission:

Labcorp Genetics (formerly Invitae), Labcorp
Classification: Pathogenic for Familial cancer of breast. Last evaluated: 2024-11-02. Review status: criteria provided, single submitter. Criteria: Invitae Variant Classification Sherloc (09022015). Collection method: clinical testing. Allele origin: germline.
Comment: This sequence change creates a premature translational stop signal (p.Ser209Phefs*14) in the PALB2 gene. It is expected to result in an absent or disrupted protein product. Loss-of-function variants in PALB2 are known to be pathogenic (PMID: 17200668, 17200671, 17200672, 24136930, 25099575). This variant is not present in population databases (gnomAD no frequency). This variant has not been reported in the literature in individuals affected with PALB2-related conditions. For these reasons, this variant has been classified as Pathogenic.

Literature cited by the submitters: PubMed 17200668; PubMed 17200671; PubMed 17200672; PubMed 24136930; PubMed 25099575.

NM_024675.4(PALB2):c.626del (p.Ser209fs)

Gene: PALB2 (partner and localizer of BRCA2; minus strand). Cytogenetic location: 16p12.2.
Variant type: Deletion.
Coding change: c.626del on transcript NM_024675.4 (MANE Select); coding-DNA position 626, one base deleted (C; older notation c.626delC).
Protein change: p.Ser209fs; shifts the reading frame from serine 209.
Molecular consequence: frameshift variant. On other transcripts: 5 prime UTR variant (8), intron variant (3).
Genome position (GRCh38, 1-based): chr16:23,635,920, G deleted on the plus strand (C on the coding strand, the reverse complement: PALB2 is on the minus strand). VCF-style (leftmost placement, unchanged base first): chr16-23635919-AG-A. GRCh37 (hg19) VCF-style: chr16-23647240-AG-A.
Other names: c.566del, p.Ser189fs (NM_001407296.1); c.626del, p.Ser209fs (NM_001407297.1, NM_001407298.1, NM_001407299.1 and 3 more transcripts); c.-260del (NM_001407304.1, NM_001407305.1, NM_001407306.1 and 5 more transcripts); c.48+5190del (NM_001407314.1); c.-105+5190del (NM_001407313.1, NM_001407312.1); short protein forms S189fs, S209fs.
Identifiers: ClinVar variation 3724271 (VCV003724271.2).
Genomic context (GRCh38, chr16:23,635,919, plus strand): 5'-TGGTTGGGCAGTTGGTGGAATTAATACACTGTCTTCATTAATTTCTGTAACTGGTTCTGG[AG>A]AATCTGGAAGTTCAGATTTAAGACTTAAAAGGTGAGTTCTTATTTCAGTTACTGGTGATC-3'